The following is an entry in ClinVar:

NM_001007525.5(NWD1):c.382dup (p.Glu128fs)

Gene: NWD1 (NACHT and WD repeat domain containing 1; plus strand). Cytogenetic location: 19p13.11.
Variant type: Duplication.
Coding change: c.382dup on transcript NM_001007525.5 (MANE Select); coding-DNA position 382, one base duplicated (G; older notation c.382dupG).
Protein change: p.Glu128fs; shifts the reading frame from glutamic acid 128.
Molecular consequence: frameshift variant. On other transcripts: 5 prime UTR variant (2).
Genome position (GRCh38, 1-based): chr19:16,744,604, G duplicated; the last of 4 consecutive G bases (chr19:16,744,601-16,744,604); duplicating any one gives the same sequence. VCF-style (leftmost placement, unchanged base first): chr19-16744600-T-TG. GRCh37 (hg19) VCF-style: chr19-16855411-T-TG.
Other names: c.-453dup (NM_001290355.3); c.-237dup (NM_001347994.1); short protein forms E128fs.
Identifiers: ClinVar variation 2649515 (VCV002649515.24), dbSNP rs535227776, ClinGen allele CA9281439.

ClinVar aggregate classification (germline): Likely benign (1 of 4 stars; one submission).

Submission:

CeGaT Center for Human Genetics Tuebingen
Classification: Likely benign. Last evaluated: 2023-04-01. Review status: criteria provided, single submitter. Criteria: CeGaT Center For Human Genetics Tuebingen Variant Classification Criteria Version 2. Collection method: clinical testing. Allele origin: germline. Affected: yes. Observed: 1 variant allele.
Comment: NWD1: BS2